The following is an entry in ClinVar:

ClinVar aggregate classification (germline): Likely benign (1 of 4 stars; one submission).

gnomAD v4.1: 5 of 1,165,018 alleles (0.00043%); highest among the groups gnomAD compares: Non-Finnish European, 0.00057%; no homozygotes.

Submission:

CeGaT Center for Human Genetics Tuebingen
Classification: Likely benign. Last evaluated: 2022-08-01. Review status: criteria provided, single submitter. Criteria: CeGaT Center For Human Genetics Tuebingen Variant Classification Criteria Version 2. Collection method: clinical testing. Allele origin: germline. Affected: yes. Observed: 1 variant allele.
Comment: USP9X: BP4, BP7

NM_001039591.3(USP9X):c.7215G>T (p.Leu2405=)

Gene: USP9X (ubiquitin specific peptidase 9 X-linked; plus strand). Cytogenetic location: Xp11.4.
Variant type: single nucleotide variant.
Coding change: c.7215G>T on transcript NM_001039591.3 (MANE Select); coding-DNA position 7215, G replaced by T.
Protein change: p.Leu2405=; no amino-acid change (leucine 2405 retained).
Molecular consequence: synonymous variant.
Genome position (GRCh38, 1-based): chrX:41,229,406, G>T. VCF-style: chrX-41229406-G-T. GRCh37 (hg19) VCF-style: chrX-41088659-G-T.
Other names: c.7215G>T, p.Leu2405= (NM_001039590.3); c.7230G>T, p.Leu2410= (NM_001410748.1, NM_001410749.1).
Identifiers: ClinVar variation 2660334 (VCV002660334.24), dbSNP rs764689144, ClinGen allele CA516347874.